The following is an entry in ClinVar:

NM_005996.4(TBX3):c.1311G>A (p.Pro437=)

Gene: TBX3 (T-box transcription factor 3; minus strand). Cytogenetic location: 12q24.21.
Variant type: single nucleotide variant.
Coding change: c.1311G>A on transcript NM_005996.4 (MANE Select); coding-DNA position 1311, G replaced by A.
Protein change: p.Pro437=; no amino-acid change (proline 437 retained).
Molecular consequence: synonymous variant.
Genome position (GRCh38, 1-based): chr12:114,674,564, C>T on the plus strand (G>A on the coding strand, the complement: TBX3 is on the minus strand). VCF-style: chr12-114674564-C-T. GRCh37 (hg19) VCF-style: chr12-115112369-C-T.
Other names: c.1371G>A, p.Pro457= (NM_016569.4); c.1371G>A (NM_016569.3).
Identifiers: ClinVar variation 1962948 (VCV001962948.6), dbSNP rs759328763, ClinGen allele CA6809934.

ClinVar aggregate classification (germline): Likely benign. Review status: criteria provided, single submitter (1 of 4 stars). 2 submissions from 2 submitters: Likely benign (1). 1 of the submissions does not count toward it. Last evaluated 2025-05-05.

Conditions:
TBX3-related disorder. Also called: TBX3-related condition.
Ulnar-mammary syndrome (UMS). Also called: PALLISTER ULNAR-MAMMARY SYNDROME; Ulnar-mammary syndrome of Pallister; SCHINZEL SYNDROME. Identifiers: Orphanet 3138, MedGen C1866994, MONDO:0008411, OMIM 181450.

Allele frequency attached by ClinVar (database versions not stated): TOPMed 0.00001.
gnomAD v4.1: 6 of 1,568,982 alleles (0.00038%); highest among the groups gnomAD compares: Admixed American, 0.0091%; no homozygotes.

Submissions (2):

Labcorp Genetics (formerly Invitae), Labcorp
Classification: Likely benign for Ulnar-mammary syndrome. Last evaluated: 2025-05-05. Review status: criteria provided, single submitter. Criteria: Invitae Variant Classification Sherloc (09022015). Collection method: clinical testing. Allele origin: germline.

PreventionGenetics, part of Exact Sciences
Classification: Likely benign for TBX3-related condition. Last evaluated: 2024-06-03. Review status: no assertion criteria provided. Collection method: clinical testing. Allele origin: germline. Not counted in ClinVar's aggregate classification.
Comment: This variant is classified as likely benign based on ACMG/AMP sequence variant interpretation guidelines (Richards et al. 2015 PMID: 25741868, with internal and published modifications).